The following is an entry in ClinVar:

NM_001148.6(ANK2):c.7751C>G (p.Pro2584Arg)

Genes: ANK2 (ankyrin 2; plus strand), LOC126807137 (CDK7 strongly-dependent group 2 enhancer GRCh37_chr4:114276560-114277759; plus strand). Cytogenetic location: 4q26.
Variant type: single nucleotide variant.
Coding change: c.7751C>G on transcript NM_001148.6 (MANE Select); coding-DNA position 7751, C replaced by G.
Protein change: p.Pro2584Arg; replaces proline 2584 with arginine.
Molecular consequence: missense variant. On other transcripts: intron variant (68).
Genome position (GRCh38, 1-based): chr4:113,356,369, C>G. VCF-style: chr4-113356369-C-G. GRCh37 (hg19) VCF-style: chr4-114277525-C-G.
Other names: c.7517C>G, p.Pro2506Arg (NM_001386142.1); c.4151C>G, p.Pro1384Arg (NM_001386166.1); c.7892C>G, p.Pro2631Arg (NM_001386174.1); c.7868C>G, p.Pro2623Arg (NM_001386175.1); c.4412-4454C>G (NM_001386186.2, NM_001386148.2); c.4214-4454C>G (NM_001354269.3); c.4292-4454C>G (NM_001386187.2); c.4253-4454C>G (NM_001386147.1); and 35 more; short protein forms P1384R, P2506R, P2584R, P2623R, P2631R.
Identifiers: ClinVar variation 3221002 (VCV003221002.2), dbSNP rs2154025443, ClinGen allele CA357931923.

ClinVar aggregate classification (germline): Uncertain significance. Review status: criteria provided, multiple submitters, no conflicts (2 of 4 stars). 2 submissions from 2 submitters: Uncertain significance (2). Last evaluated 2024-10-11.

Conditions:
Cardiovascular phenotype. Identifiers: MedGen CN230736.

Allele frequency attached by ClinVar (database versions not stated): gnomAD 0.00001.
gnomAD v4.1: 4 of 1,614,042 alleles (0.00025%); highest among the groups gnomAD compares: Non-Finnish European, 0.00034%; no homozygotes.

Submissions (2):

GeneDx
Classification: Uncertain significance. Last evaluated: 2024-10-11. Review status: criteria provided, single submitter. Criteria: GeneDx Variant Classification Process June 2021. Collection method: clinical testing. Allele origin: germline. Affected: yes.
Comment: Not observed at significant frequency in large population cohorts (gnomAD); In silico analysis supports that this missense variant has a deleterious effect on protein structure/function; Has not been previously published as pathogenic or benign to our knowledge

Ambry Genetics
Classification: Uncertain significance for Cardiovascular phenotype. Last evaluated: 2023-11-21. Review status: criteria provided, single submitter. Criteria: Ambry Variant Classification Scheme 2023. Collection method: clinical testing. Allele origin: germline.
Comment: The p.P2584R variant (also known as c.7751C>G), located in coding exon 38 of the ANK2 gene, results from a C to G substitution at nucleotide position 7751. The proline at codon 2584 is replaced by arginine, an amino acid with dissimilar properties. This amino acid position is conserved. In addition, the in silico prediction for this alteration is inconclusive. Since supporting evidence is limited at this time, the clinical significance of this alteration remains unclear.